The following is an entry in ClinVar:

NM_005188.4(CBL):c.2642C>G (p.Ala881Gly)

Gene: CBL (Cbl proto-oncogene; plus strand). Cytogenetic location: 11q23.3.
Variant type: single nucleotide variant.
Coding change: c.2642C>G on transcript NM_005188.4 (MANE Select); coding-DNA position 2642, C replaced by G.
Protein change: p.Ala881Gly; replaces alanine 881 with glycine.
Molecular consequence: missense variant.
Genome position (GRCh38, 1-based): chr11:119,299,702, C>G. VCF-style: chr11-119299702-C-G. GRCh37 (hg19) VCF-style: chr11-119170412-C-G.
Other names: short protein forms A881G.
Identifiers: ClinVar variation 2834208 (VCV002834208.3), dbSNP rs2135322294, ClinGen allele CA382933691.
Genomic context (GRCh38, chr11:119,299,702, plus strand): 5'-TCGAGAACCTCATGAGTCAGGGGTACTCCTACCAGGACATCCAGAAAGCTTTGGTCATTG[C>G]CCAGAACAACATCGAGATGGCCAAAAACATCCTCCGGGAATTTGTTTCCATTTCTTCTCC-3'
Protein context (NP_005179.2, residues 871-891): YQDIQKALVI[Ala881Gly]QNNIEMAKNI

ClinVar aggregate classification (germline): Uncertain significance (1 of 4 stars; one submission).

Conditions:
RASopathy. Also called: Noonan spectrum disorder; rasopathies. Identifiers: Orphanet 536391, MedGen C5555857, MONDO:0021060.

Submission:

Labcorp Genetics (formerly Invitae), Labcorp
Classification: Uncertain significance for RASopathy. Last evaluated: 2023-08-04. Review status: criteria provided, single submitter. Criteria: Invitae Variant Classification Sherloc (09022015). Collection method: clinical testing. Allele origin: germline.
Comment: This sequence change replaces alanine, which is neutral and non-polar, with glycine, which is neutral and non-polar, at codon 881 of the CBL protein (p.Ala881Gly). This variant is not present in population databases (gnomAD no frequency). This variant has not been reported in the literature in individuals affected with CBL-related conditions. Advanced modeling of protein sequence and biophysical properties (such as structural, functional, and spatial information, amino acid conservation, physicochemical variation, residue mobility, and thermodynamic stability) performed at Invitae indicates that this missense variant is not expected to disrupt CBL protein function. In summary, the available evidence is currently insufficient to determine the role of this variant in disease. Therefore, it has been classified as a Variant of Uncertain Significance.